The following is an entry in ClinVar:

NM_002471.4(MYH6):c.5598A>G (p.Leu1866=)

Gene: MYH6 (myosin heavy chain 6; minus strand). Cytogenetic location: 14q11.2.
Variant type: single nucleotide variant.
Coding change: c.5598A>G on transcript NM_002471.4 (MANE Select); coding-DNA position 5598, A replaced by G.
Protein change: p.Leu1866=; no amino-acid change (leucine 1866 retained).
Molecular consequence: synonymous variant.
Genome position (GRCh38, 1-based): chr14:23,383,288, T>C on the plus strand (A>G on the coding strand, the complement: MYH6 is on the minus strand). VCF-style: chr14-23383288-T-C. GRCh37 (hg19) VCF-style: chr14-23852497-T-C.
Identifiers: ClinVar variation 258715 (VCV000258715.23), dbSNP rs17091278, ClinGen allele CA7114337.

ClinVar aggregate classification (germline): Benign. Review status: criteria provided, multiple submitters, no conflicts (2 of 4 stars). 9 submissions from 9 submitters: Benign (6). 3 of the submissions do not count toward it. Last evaluated 2026-02-04.

Conditions:
Cardiovascular phenotype. Identifiers: MedGen CN230736.
Hypertrophic cardiomyopathy 14. Identifiers: MedGen C2750467, MONDO:0013197, OMIM 613251.

Allele frequency attached by ClinVar (database versions not stated): gnomAD exomes 0.01296 and 0.02268; ExAC 0.02667; TOPMed 0.08289; ESP Exome Variant Server 0.08412; gnomAD 0.08455 and 0.08756; 1000 Genomes Project 0.08486; 1000 Genomes Project 30x 0.09322.

Submissions (9):

Labcorp Genetics (formerly Invitae), Labcorp
Classification: Benign for Hypertrophic cardiomyopathy 14. Last evaluated: 2026-02-04. Review status: criteria provided, single submitter. Criteria: Invitae Variant Classification Sherloc (09022015). Collection method: clinical testing. Allele origin: germline.

GeneDx
Classification: Benign. Last evaluated: 2016-09-29. Review status: criteria provided, single submitter. Criteria: GeneDx Variant Classification (06012015). Collection method: clinical testing. Allele origin: germline. Affected: yes.
Comment: This variant is considered likely benign or benign based on one or more of the following criteria: it is a conservative change, it occurs at a poorly conserved position in the protein, it is predicted to be benign by multiple in silico algorithms, and/or has population frequency not consistent with disease.

Molecular Diagnostic Laboratory for Inherited Cardiovascular Disease, Montreal Heart Institute
Classification: Benign. Last evaluated: 2016-06-16. Review status: criteria provided, single submitter. Criteria: ACMG Guidelines, 2015. Collection method: clinical testing. Allele origin: germline. Affected: yes.

Ambry Genetics
Classification: Benign for Cardiovascular phenotype. Last evaluated: 2015-06-25. Review status: criteria provided, single submitter. Criteria: Ambry Variant Classification Scheme 2023. Collection method: clinical testing. Allele origin: germline.

Breakthrough Genomics
Classification: Benign. Review status: criteria provided, single submitter. Criteria: ACMG Guidelines, 2015. Collection method: not provided. Allele origin: germline. Inheritance: Autosomal dominant inheritance. Affected: yes.

PreventionGenetics, part of Exact Sciences
Classification: Benign. Review status: criteria provided, single submitter. Criteria: ACMG Guidelines, 2015. Collection method: clinical testing. Allele origin: germline.

Clinical Genetics DNA and cytogenetics Diagnostics Lab, Erasmus MC, Erasmus Medical Center
Classification: Benign. Review status: no assertion criteria provided. Collection method: clinical testing. Allele origin: germline. Affected: yes. Study: VKGL Data-share Consensus. Not counted in ClinVar's aggregate classification.

Clinical Genetics, Academic Medical Center
Classification: Benign. Review status: no assertion criteria provided. Collection method: clinical testing. Allele origin: germline. Affected: yes. Study: VKGL Data-share Consensus. Not counted in ClinVar's aggregate classification.

Joint Genome Diagnostic Labs from Nijmegen and Maastricht, Radboudumc and MUMC+
Classification: Benign. Review status: no assertion criteria provided. Collection method: clinical testing. Allele origin: germline. Affected: yes. Study: VKGL Data-share Consensus. Not counted in ClinVar's aggregate classification.